The following is an entry in ClinVar:

ClinVar aggregate classification (germline): Uncertain significance. Review status: criteria provided, multiple submitters, no conflicts (2 of 4 stars). 2 submissions from 2 submitters: Uncertain significance (2). Last evaluated 2024-10-07.

Conditions:
Cutis laxa, autosomal recessive, type 1B (ARCL1B). Also called: CUTIS LAXA, AUTOSOMAL RECESSIVE, TYPE IB; EFEMP2-Related Cutis Laxa. Identifiers: Orphanet 90349, MedGen C3280798, MONDO:0013754, OMIM 614437. Disease mechanism: loss of function.
Cardiovascular phenotype. Identifiers: MedGen CN230736.

Allele frequency attached by ClinVar (database versions not stated): gnomAD exomes below 0.00001; gnomAD 0.00001; TOPMed 0.00001.
gnomAD v4.1: 5 of 1,613,762 alleles (0.00031%); highest among the groups gnomAD compares: Non-Finnish European, 0.00042%; no homozygotes.

Submissions (2):

Ambry Genetics
Classification: Uncertain significance for Cardiovascular phenotype. Last evaluated: 2024-10-07. Review status: criteria provided, single submitter. Criteria: Ambry Variant Classification Scheme 2023. Collection method: clinical testing. Allele origin: germline.
Comment: The p.Q193H variant (also known as c.579G>C), located in coding exon 5 of the EFEMP2 gene, results from a G to C substitution at nucleotide position 579. The glutamine at codon 193 is replaced by histidine, an amino acid with highly similar properties. This amino acid position is well conserved in available vertebrate species. In addition, the in silico prediction for this alteration is inconclusive. Since supporting evidence is limited at this time, the clinical significance of this alteration remains unclear.

Labcorp Genetics (formerly Invitae), Labcorp
Classification: Uncertain significance for Cutis laxa, autosomal recessive, type 1B. Last evaluated: 2021-11-20. Review status: criteria provided, single submitter. Criteria: Invitae Variant Classification Sherloc (09022015). Collection method: clinical testing. Allele origin: germline.
Comment: ClinVar contains an entry for this variant (Variation ID: 582999). In summary, the available evidence is currently insufficient to determine the role of this variant in disease. Therefore, it has been classified as a Variant of Uncertain Significance. Algorithms developed to predict the effect of missense changes on protein structure and function are either unavailable or do not agree on the potential impact of this missense change (SIFT: "Deleterious"; PolyPhen-2: "Probably Damaging"; Align-GVGD: "Class C15"). This variant has not been reported in the literature in individuals affected with EFEMP2-related conditions. This variant is not present in population databases (gnomAD no frequency). This sequence change replaces glutamine, which is neutral and polar, with histidine, which is basic and polar, at codon 193 of the EFEMP2 protein (p.Gln193His).

NM_016938.5(EFEMP2):c.579G>C (p.Gln193His)

Gene: EFEMP2 (EGF-like fibulin extracellular matrix protein 2; minus strand). Cytogenetic location: 11q13.1.
Variant type: single nucleotide variant.
Coding change: c.579G>C on transcript NM_016938.5 (MANE Select); coding-DNA position 579, G replaced by C.
Protein change: p.Gln193His; replaces glutamine 193 with histidine.
Molecular consequence: missense variant. On other transcripts: non-coding transcript variant (1).
Genome position (GRCh38, 1-based): chr11:65,870,149, C>G on the plus strand (G>C on the coding strand, the complement: EFEMP2 is on the minus strand). VCF-style: chr11-65870149-C-G. GRCh37 (hg19) VCF-style: chr11-65637620-C-G.
Other names: short protein forms Q193H.
Identifiers: ClinVar variation 582999 (VCV000582999.9), dbSNP rs1565273832, ClinGen allele CA381360436.